The following is an entry in ClinVar:

NM_015346.4(ZFYVE26):c.6559C>T (p.Arg2187Trp)

Gene: ZFYVE26 (zinc finger FYVE-type containing 26; minus strand). Cytogenetic location: 14q24.1.
Variant type: single nucleotide variant.
Coding change: c.6559C>T on transcript NM_015346.4 (MANE Select); coding-DNA position 6559, C replaced by T.
Protein change: p.Arg2187Trp; replaces arginine 2187 with tryptophan.
Molecular consequence: missense variant.
Genome position (GRCh38, 1-based): chr14:67,761,395, G>A on the plus strand (C>T on the coding strand, the complement: ZFYVE26 is on the minus strand). VCF-style: chr14-67761395-G-A. GRCh37 (hg19) VCF-style: chr14-68228112-G-A.
Other names: short protein forms R2187W.
Identifiers: ClinVar variation 1424872 (VCV001424872.3), dbSNP rs1163205635, ClinGen allele CA390162841.
Genomic context (GRCh38, chr14:67,761,395, plus strand): 5'-ACTGCCTTTTTGAGCTGTGTCCATGTCCCACCTTGTTGAGAAGGTGCAGAAGAGCTTCCC[G>A]CAGGCAGCTGTGCCTCACGTAGAAGCTGATGATGGCCAGGTTGGTGCTATAGTTGTGCAG-3'
Protein context (NP_056161.2, residues 2177-2197): ISFYVRHSCL[Arg2187Trp]EALLHLLNKE

ClinVar aggregate classification (germline): Uncertain significance (1 of 4 stars; one submission).

Conditions:
Spastic paraplegia. Identifiers: MedGen C0037772, HP:0001258.

Allele frequency attached by ClinVar (database versions not stated): gnomAD exomes below 0.00001 and 0.00001.

Submission:

Labcorp Genetics (formerly Invitae), Labcorp
Classification: Uncertain significance for Spastic paraplegia. Last evaluated: 2021-10-25. Review status: criteria provided, single submitter. Criteria: Invitae Variant Classification Sherloc (09022015). Collection method: clinical testing. Allele origin: germline.
Comment: This sequence change replaces arginine with tryptophan at codon 2187 of the ZFYVE26 protein (p.Arg2187Trp). The arginine residue is highly conserved and there is a moderate physicochemical difference between arginine and tryptophan. This variant is not present in population databases (ExAC no frequency). This variant has not been reported in the literature in individuals affected with ZFYVE26-related conditions. Algorithms developed to predict the effect of missense changes on protein structure and function are either unavailable or do not agree on the potential impact of this missense change (SIFT: "Deleterious"; PolyPhen-2: "Probably Damaging"; Align-GVGD: "Class C0"). In summary, the available evidence is currently insufficient to determine the role of this variant in disease. Therefore, it has been classified as a Variant of Uncertain Significance.